The following is an entry in ClinVar:

NM_022491.3(SUDS3):c.951C>T (p.Arg317=)

Gene: SUDS3 (SIN3A corepressor complex component SDS3; plus strand). Cytogenetic location: 12q24.23.
Variant type: single nucleotide variant.
Coding change: c.951C>T on transcript NM_022491.3 (MANE Select); coding-DNA position 951, C replaced by T.
Protein change: p.Arg317=; no amino-acid change (arginine 317 retained).
Molecular consequence: synonymous variant.
Genome position (GRCh38, 1-based): chr12:118,414,397, C>T. VCF-style: chr12-118414397-C-T. GRCh37 (hg19) VCF-style: chr12-118852202-C-T.
Identifiers: ClinVar variation 791587 (VCV000791587.28), dbSNP rs147756379, ClinGen allele CA6818850.

ClinVar aggregate classification (germline): Benign/Likely benign. Review status: criteria provided, multiple submitters, no conflicts (2 of 4 stars). 3 submissions from 3 submitters: Benign (2); Likely benign (1). Last evaluated 2023-04-01.

Allele frequency attached by ClinVar (database versions not stated): 1000 Genomes Project 30x 0.00109; 1000 Genomes Project 0.00140; TOPMed 0.00373; gnomAD exomes 0.00475 and 0.00601; gnomAD 0.00480 and 0.00523; ESP Exome Variant Server 0.00541; ExAC 0.00977.
gnomAD v4.1: 9,347 of 1,602,612 alleles (0.58%); highest among the groups gnomAD compares: Non-Finnish European, 0.68%; 48 homozygotes.

Submissions (3):

CeGaT Center for Human Genetics Tuebingen
Classification: Likely benign. Last evaluated: 2023-04-01. Review status: criteria provided, single submitter. Criteria: CeGaT Center For Human Genetics Tuebingen Variant Classification Criteria Version 2. Collection method: clinical testing. Allele origin: germline. Affected: yes. Observed: 1 variant allele.
Comment: SUDS3: BP4, BP7, BS2

Labcorp Genetics (formerly Invitae), Labcorp
Classification: Benign. Last evaluated: 2017-06-20. Review status: criteria provided, single submitter. Criteria: Invitae Variant Classification Sherloc (09022015). Collection method: clinical testing. Allele origin: germline.

Breakthrough Genomics
Classification: Benign. Review status: criteria provided, single submitter. Criteria: ACMG Guidelines, 2015. Collection method: not provided. Allele origin: germline. Inheritance: Unknown mechanism. Affected: yes.